The following is an entry in ClinVar:

ClinVar aggregate classification (germline): Uncertain significance (1 of 4 stars; one submission).

Conditions:
Inborn genetic diseases. Identifiers: MedGen C0950123, MeSH D030342.

gnomAD v4.1: 1 of 1,614,186 alleles (0.000062%); highest among the groups gnomAD compares: Non-Finnish European, 0.000085%; no homozygotes.

Submission:

Ambry Genetics
Classification: Uncertain significance for Inborn genetic diseases. Last evaluated: 2025-12-22. Review status: criteria provided, single submitter. Criteria: Ambry Variant Classification Scheme 2023. Collection method: clinical testing. Allele origin: germline.
Comment: The p.Q1074R variant (also known as c.3221A>G), located in coding exon 13 of the ASXL1 gene, results from an A to G substitution at nucleotide position 3221. The glutamine at codon 1074 is replaced by arginine, an amino acid with highly similar properties. This amino acid position is conserved. In addition, this alteration is predicted to be tolerated by in silico analysis. Based on the available evidence, the clinical significance of this variant remains unclear.

NM_015338.6(ASXL1):c.3221A>G (p.Gln1074Arg)

Gene: ASXL1 (ASXL transcriptional regulator 1; plus strand). Cytogenetic location: 20q11.21.
Variant type: single nucleotide variant.
Coding change: c.3221A>G on transcript NM_015338.6 (MANE Select); coding-DNA position 3221, A replaced by G.
Protein change: p.Gln1074Arg; replaces glutamine 1074 with arginine.
Molecular consequence: missense variant.
Genome position (GRCh38, 1-based): chr20:32,435,933, A>G. VCF-style: chr20-32435933-A-G. GRCh37 (hg19) VCF-style: chr20-31023736-A-G.
Other names: c.3038A>G, p.Gln1013Arg (NM_001363734.1); short protein forms Q1013R, Q1074R.
Identifiers: ClinVar variation 4843647 (VCV004843647.1).